The following is an entry in ClinVar:

NM_001127208.3(TET2):c.3015G>C (p.Lys1005Asn)

Genes: TET2 (tet methylcytosine dioxygenase 2; plus strand), TET2-AS1 (TET2 antisense RNA 1; minus strand). Cytogenetic location: 4q24.
Variant type: single nucleotide variant.
Coding change: c.3015G>C on transcript NM_001127208.3 (MANE Select); coding-DNA position 3015, G replaced by C.
Protein change: p.Lys1005Asn; replaces lysine 1005 with asparagine.
Molecular consequence: missense variant.
Genome position (GRCh38, 1-based): chr4:105,236,957, G>C. VCF-style: chr4-105236957-G-C. GRCh37 (hg19) VCF-style: chr4-106158114-G-C.
Other names: c.3015G>C, p.Lys1005Asn (NM_017628.4); short protein forms K1005N.
Identifiers: ClinVar variation 3967683 (VCV003967683.1).

ClinVar aggregate classification (germline): Uncertain significance (1 of 4 stars; one submission).

gnomAD v4.1: 1 of 1,614,076 alleles (0.000062%); highest among the groups gnomAD compares: Non-Finnish European, 0.000085%; no homozygotes.

Submission:

Ambry Genetics
Classification: Uncertain significance. Last evaluated: 2025-06-01. Review status: criteria provided, single submitter. Criteria: Ambry Variant Classification Scheme 2023. Collection method: clinical testing. Allele origin: germline.
Comment: The p.K1005N variant (also known as c.3015G>C), located in coding exon 1 of the TET2 gene, results from a G to C substitution at nucleotide position 3015. The lysine at codon 1005 is replaced by asparagine, an amino acid with similar properties. This amino acid position is conserved. In addition, this alteration is predicted to be tolerated by in silico analysis. Based on the available evidence, the clinical significance of this variant remains unclear.